The following is an entry in ClinVar:

ClinVar aggregate classification (germline): Uncertain significance. Review status: criteria provided, multiple submitters, no conflicts (2 of 4 stars). 3 submissions from 3 submitters: Uncertain significance (3). Last evaluated 2022-05-31.

Conditions:
Infantile neuroaxonal dystrophy (NBIA2A). Also called: Infantile neuroaxonal dystrophy 1; SEITELBERGER DISEASE; NEURODEGENERATION WITH BRAIN IRON ACCUMULATION 2A. Identifiers: Orphanet 35069, MedGen C0270724, MONDO:0024457, OMIM 256600.
Inborn genetic diseases. Identifiers: MedGen C0950123, MeSH D030342.
Neurodegeneration with brain iron accumulation 2B. Also called: aNAD; atypical Neuroaxonal Dystrophy (aNAD); NEUROAXONAL DYSTROPHY, ATYPICAL; NEURODEGENERATION WITH BRAIN IRON ACCUMULATION, PLA2G6-RELATED. Identifiers: Orphanet 35069, MedGen C1857747, MONDO:0012444, OMIM 610217.

Allele frequency attached by ClinVar (database versions not stated): ExAC 0.00001; gnomAD 0.00006; gnomAD exomes 0.00001; TOPMed 0.00006; ESP Exome Variant Server 0.00015.
gnomAD v4.1: 13 of 1,613,940 alleles (0.00081%); highest among the groups gnomAD compares: African/African-American, 0.016%; no homozygotes.

Submissions (3):

Labcorp Genetics (formerly Invitae), Labcorp
Classification: Uncertain significance for Infantile neuroaxonal dystrophy. Last evaluated: 2022-05-31. Review status: criteria provided, single submitter. Criteria: Invitae Variant Classification Sherloc (09022015). Collection method: clinical testing. Allele origin: germline.
Comment: This sequence change replaces alanine, which is neutral and non-polar, with threonine, which is neutral and polar, at codon 718 of the PLA2G6 protein (p.Ala718Thr). This variant is present in population databases (rs371872005, gnomAD 0.02%). This variant has not been reported in the literature in individuals affected with PLA2G6-related conditions. ClinVar contains an entry for this variant (Variation ID: 973857). Algorithms developed to predict the effect of missense changes on protein structure and function are either unavailable or do not agree on the potential impact of this missense change (SIFT: "Tolerated"; PolyPhen-2: "Possibly Damaging"; Align-GVGD: "Class C0"). In summary, the available evidence is currently insufficient to determine the role of this variant in disease. Therefore, it has been classified as a Variant of Uncertain Significance.

Ambry Genetics
Classification: Uncertain significance for Inborn genetic diseases. Last evaluated: 2021-07-02. Review status: criteria provided, single submitter. Criteria: Ambry Variant Classification Scheme 2023. Collection method: clinical testing. Allele origin: germline.

Johns Hopkins Genomics, Johns Hopkins University
Classification: Uncertain significance for Neurodegeneration with brain iron accumulation 2B. Last evaluated: 2020-03-06. Review status: criteria provided, single submitter. Criteria: ACMG Guidelines, 2015. Collection method: clinical testing. Allele origin: germline.
Comment: PLA2G6 c.2152G>A (rs371872005) is rare (<0.1%) in a large population dataset (gnomAD: 6/282748 total alleles; 0.0021%; no homozygotes) and has not been reported in the literature, to our knowledge. Of three bioinformatics tools queried, one predicts that this substitution would be deleterious, while two predict that it would be tolerated. Additionally, bioinformatic analysis predicts that this variant would not affect normal exon 15 splicing, although this has not been confirmed experimentally to our knowledge. The alanine residue at this position is evolutionarily conserved across most species assessed. Due to insufficient evidence that this variant is deleterious, we consider the clinical significance of c.2152G>A to be uncertain at this time.

Literature cited by the submitters: PubMed 18443314 (cited by Johns Hopkins Genomics, Johns Hopkins University); PubMed 20301718 (cited by Johns Hopkins Genomics, Johns Hopkins University); PubMed 20619503 (cited by Johns Hopkins Genomics, Johns Hopkins University); PubMed 29472584 (cited by Johns Hopkins Genomics, Johns Hopkins University); PubMed 30619057 (cited by Johns Hopkins Genomics, Johns Hopkins University).

NM_003560.4(PLA2G6):c.2152G>A (p.Ala718Thr)

Gene: PLA2G6 (phospholipase A2 group VI; minus strand). Cytogenetic location: 22q13.1.
Variant type: single nucleotide variant.
Coding change: c.2152G>A on transcript NM_003560.4 (MANE Select); coding-DNA position 2152, G replaced by A.
Protein change: p.Ala718Thr; replaces alanine 718 with threonine.
Molecular consequence: missense variant.
Genome position (GRCh38, 1-based): chr22:38,113,537, C>T on the plus strand (G>A on the coding strand, the complement: PLA2G6 is on the minus strand). VCF-style: chr22-38113537-C-T. GRCh37 (hg19) VCF-style: chr22-38509544-C-T.
Other names: c.1990G>A, p.Ala664Thr (NM_001004426.3, NM_001199562.3, NM_001349865.2 and 1 more transcripts); c.2152G>A, p.Ala718Thr (NM_001349864.2); c.1618G>A, p.Ala540Thr (NM_001349867.2); c.1474G>A, p.Ala492Thr (NM_001349868.2); c.1456G>A, p.Ala486Thr (NM_001349869.2); c.2152G>A (NM_003560.2); short protein forms A486T, A492T, A540T, A664T, A718T.
Identifiers: ClinVar variation 973857 (VCV000973857.4), dbSNP rs371872005, ClinGen allele CA10230595.